The following is an entry in ClinVar:

ClinVar aggregate classification (germline): Uncertain significance. Review status: criteria provided, multiple submitters, no conflicts (2 of 4 stars). 3 submissions from 3 submitters: Uncertain significance (3). Last evaluated 2026-01-05.

Allele frequency attached by ClinVar (database versions not stated): gnomAD 0.00002; gnomAD exomes 0.00003 and 0.00004; TOPMed 0.00003; ExAC 0.00004; ESP Exome Variant Server 0.00008.
gnomAD v4.1: 56 of 1,614,032 alleles (0.0035%); highest among the groups gnomAD compares: Non-Finnish European, 0.0044%; no homozygotes.

Submissions (3):

Labcorp Genetics (formerly Invitae), Labcorp
Classification: Uncertain significance. Last evaluated: 2026-01-05. Review status: criteria provided, single submitter. Criteria: Invitae Variant Classification Sherloc (09022015). Collection method: clinical testing. Allele origin: germline.
Comment: This sequence change replaces threonine, which is neutral and polar, with methionine, which is neutral and non-polar, at codon 196 of the IDH3A protein (p.Thr196Met). This variant is present in population databases (rs375984261, gnomAD 0.006%). This variant has not been reported in the literature in individuals affected with IDH3A-related conditions. ClinVar contains an entry for this variant (Variation ID: 1025512). Invitae Evidence Modeling of protein sequence and biophysical properties (such as structural, functional, and spatial information, amino acid conservation, physicochemical variation, residue mobility, and thermodynamic stability) has been performed for this missense variant. However, the output from this modeling did not meet the statistical confidence thresholds required to predict the impact of this variant on IDH3A protein function. In summary, the available evidence is currently insufficient to determine the role of this variant in disease. Therefore, it has been classified as a Variant of Uncertain Significance.

Ambry Genetics
Classification: Uncertain significance. Last evaluated: 2023-10-17. Review status: criteria provided, single submitter. Criteria: Ambry Variant Classification Scheme 2023. Collection method: clinical testing. Allele origin: germline.

Blueprint Genetics
Classification: Uncertain significance. Last evaluated: 2023-04-05. Review status: criteria provided, single submitter. Criteria: ACMG Guidelines, 2015. Collection method: clinical testing. Allele origin: germline.

NM_005530.3(IDH3A):c.587C>T (p.Thr196Met)

Gene: IDH3A (isocitrate dehydrogenase (NAD(+)) 3 catalytic subunit alpha; plus strand). Cytogenetic location: 15q25.1.
Variant type: single nucleotide variant.
Coding change: c.587C>T on transcript NM_005530.3 (MANE Select); coding-DNA position 587, C replaced by T.
Protein change: p.Thr196Met; replaces threonine 196 with methionine.
Molecular consequence: missense variant.
Genome position (GRCh38, 1-based): chr15:78,162,343, C>T. VCF-style: chr15-78162343-C-T. GRCh37 (hg19) VCF-style: chr15-78454685-C-T.
Other names: c.587C>T (NM_005530.2); short protein forms T196M.
Identifiers: ClinVar variation 1025512 (VCV001025512.7), dbSNP rs375984261, ClinGen allele CA7680608.